The following is an entry in ClinVar:

NM_004667.6(HERC2):c.2834_2835dup (p.Ala947fs)

Gene: HERC2 (HECT and RLD domain containing E3 ubiquitin protein ligase 2; minus strand). Cytogenetic location: 15q13.1.
Variant type: Duplication.
Coding change: c.2834_2835dup on transcript NM_004667.6 (MANE Select); coding-DNA positions 2834 to 2835, 2 bases duplicated (AG; older notation c.2834_2835dupAG).
Protein change: p.Ala947fs; shifts the reading frame from alanine 947.
Molecular consequence: frameshift variant.
Genome position (GRCh38, 1-based): chr15:28,255,908-28,255,909, CT duplicated on the plus strand (AG on the coding strand, the reverse complement: HERC2 is on the minus strand); duplicating any 2 consecutive bases within chr15:28,255,908-28,255,910 gives the same sequence; the c. name uses the placement nearest the transcript's 3' end. VCF-style (leftmost placement, unchanged base first): chr15-28255907-A-ACT. GRCh37 (hg19) VCF-style: chr15-28501053-A-ACT.
Other names: c.2834_2835dupAG (NM_004667.6); short protein forms A947fs.
Identifiers: ClinVar variation 3374853 (VCV003374853.1).

ClinVar aggregate classification (germline): Pathogenic (1 of 4 stars; one submission).

Conditions:
Developmental delay with autism spectrum disorder and gait instability (MRT38). Also called: Intellectual developmental disorder, autosomal recessive 38. Identifiers: Orphanet 329195, MedGen C3809753, MONDO:0014224, OMIM 615516.

Submission:

Women's Health and Genetics/Laboratory Corporation of America, LabCorp
Classification: Pathogenic for Developmental delay with autism spectrum disorder and gait instability. Last evaluated: 2024-09-12. Review status: criteria provided, single submitter. Criteria: LabCorp Variant Classification Summary - May 2015. Collection method: clinical testing. Allele origin: germline.
Comment: Variant summary: HERC2 c.2834_2835dupAG (p.Ala947GlnfsX79) results in a premature termination codon, predicted to cause a truncation of the encoded protein or absence of the protein due to nonsense mediated decay, which are commonly known mechanisms for disease. The variant was absent in 242294 control chromosomes. To our knowledge, no occurrence of c.2834_2835dupAG in individuals affected with Intellectual Developmental Disorder, Autosomal Recessive 38 and no experimental evidence demonstrating its impact on protein function have been reported. No submitters have cited clinical-significance assessments for this variant to ClinVar. Based on the evidence outlined above, the variant was classified as pathogenic.